The following is an entry in ClinVar:

NM_006121.4(KRT1):c.314G>T (p.Gly105Val)

Gene: KRT1 (keratin 1; minus strand). Cytogenetic location: 12q13.13.
Variant type: single nucleotide variant.
Coding change: c.314G>T on transcript NM_006121.4 (MANE Select); coding-DNA position 314, G replaced by T.
Protein change: p.Gly105Val; replaces glycine 105 with valine.
Molecular consequence: missense variant.
Genome position (GRCh38, 1-based): chr12:52,680,035, C>A on the plus strand (G>T on the coding strand, the complement: KRT1 is on the minus strand). VCF-style: chr12-52680035-C-A. GRCh37 (hg19) VCF-style: chr12-53073819-C-A.
Other names: short protein forms G105V.
Identifiers: ClinVar variation 2072350 (VCV002072350.4), dbSNP rs146169155, ClinGen allele CA6586462.

ClinVar aggregate classification (germline): Uncertain significance (1 of 4 stars; one submission).

Allele frequency attached by ClinVar (database versions not stated): ExAC 0.00048; TOPMed 0.00134; ESP Exome Variant Server 0.00109; gnomAD 0.00107; 1000 Genomes Project 0.00140.

Submission:

Labcorp Genetics (formerly Invitae), Labcorp
Classification: Uncertain significance. Last evaluated: 2024-09-01. Review status: criteria provided, single submitter. Criteria: Invitae Variant Classification Sherloc (09022015). Collection method: clinical testing. Allele origin: germline.
Comment: This sequence change replaces glycine, which is neutral and non-polar, with valine, which is neutral and non-polar, at codon 105 of the KRT1 protein (p.Gly105Val). The frequency data for this variant in the population databases is considered unreliable, as metrics indicate poor data quality at this position in the gnomAD database. This variant has not been reported in the literature in individuals affected with KRT1-related conditions. ClinVar contains an entry for this variant (Variation ID: 2072350). Invitae Evidence Modeling of protein sequence and biophysical properties (such as structural, functional, and spatial information, amino acid conservation, physicochemical variation, residue mobility, and thermodynamic stability) indicates that this missense variant is not expected to disrupt KRT1 protein function with a negative predictive value of 80%. In summary, the available evidence is currently insufficient to determine the role of this variant in disease. Therefore, it has been classified as a Variant of Uncertain Significance.